The following is an entry in ClinVar:

NC_000005.9:g.(?_140052489)_(140072312_?)del

Genes: HARS2 (histidyl-tRNA synthetase 2, mitochondrial; plus strand), DND1 (DND microRNA-mediated repression inhibitor 1; minus strand), HARS1 (histidyl-tRNA synthetase 1; minus strand). Cytogenetic location: 5q31.3.
Variant type: Deletion.
Identifiers: ClinVar variation 1035723 (VCV001035723.6).

ClinVar aggregate classification (germline): Uncertain significance (1 of 4 stars; one submission).

Conditions:
Usher syndrome type 3B. Also called: USHER SYNDROME, TYPE IIIB. Identifiers: MedGen C3281066, MONDO:0013788, OMIM 614504.

Submission:

Labcorp Genetics (formerly Invitae), Labcorp
Classification: Uncertain significance for Usher syndrome type 3B. Last evaluated: 2022-07-05. Review status: criteria provided, single submitter. Criteria: Invitae Variant Classification Sherloc (09022015). Collection method: clinical testing. Allele origin: germline.
Comment: In summary, the available evidence is currently insufficient to determine the role of this variant in disease. Therefore, it has been classified as a Variant of Uncertain Significance. This variant has not been reported in the literature in individuals affected with HARS-related conditions. A gross deletion of the genomic region encompassing the full coding sequence of the HARS gene has been identified. The current clinical and genetic evidence is not sufficient to establish whether loss-of-function variants in HARS cause disease. The boundaries of this event are unknown as they extend beyond the assayed region for this gene and therefore may encompass additional genes.